The following is an entry in ClinVar:

ClinVar aggregate classification (germline): Uncertain significance. Review status: criteria provided, multiple submitters, no conflicts (2 of 4 stars). 2 submissions from 2 submitters: Uncertain significance (2). Last evaluated 2025-09-01.

Conditions:
Hereditary cancer-predisposing syndrome. Also called: Neoplastic Syndromes, Hereditary; Tumor predisposition; Hereditary Cancer Syndrome; Hereditary neoplastic syndrome. Identifiers: Orphanet 140162, MedGen C0027672, MeSH D009386, MONDO:0015356.

Allele frequency attached by ClinVar (database versions not stated): gnomAD exomes below 0.00001.

Submissions (2):

Ambry Genetics
Classification: Uncertain significance for Hereditary cancer-predisposing syndrome. Last evaluated: 2025-09-01. Review status: criteria provided, single submitter. Criteria: Ambry Variant Classification Scheme 2023. Collection method: clinical testing. Allele origin: germline.
Comment: The p.C2238Y variant (also known as c.6713G>A), located in coding exon 48 of the POLE gene, results from a G to A substitution at nucleotide position 6713. The cysteine at codon 2238 is replaced by tyrosine, an amino acid with highly dissimilar properties. This amino acid position is conserved. In addition, the in silico prediction for this alteration is inconclusive. Based on the available evidence, the clinical significance of this variant remains unclear.

Labcorp Genetics (formerly Invitae), Labcorp
Classification: Uncertain significance. Last evaluated: 2025-06-08. Review status: criteria provided, single submitter. Criteria: Invitae Variant Classification Sherloc (09022015). Collection method: clinical testing. Allele origin: germline.
Comment: This sequence change replaces cysteine, which is neutral and slightly polar, with tyrosine, which is neutral and polar, at codon 2238 of the POLE protein (p.Cys2238Tyr). This variant is not present in population databases (gnomAD no frequency). This variant has not been reported in the literature in individuals affected with POLE-related conditions. ClinVar contains an entry for this variant (Variation ID: 473809). Invitae Evidence Modeling of protein sequence and biophysical properties (such as structural, functional, and spatial information, amino acid conservation, physicochemical variation, residue mobility, and thermodynamic stability) indicates that this missense variant is expected to disrupt POLE protein function with a positive predictive value of 80%. In summary, the available evidence is currently insufficient to determine the role of this variant in disease. Therefore, it has been classified as a Variant of Uncertain Significance.

NM_006231.4(POLE):c.6713G>A (p.Cys2238Tyr)

Gene: POLE (DNA polymerase epsilon, catalytic subunit; minus strand). Cytogenetic location: 12q24.33.
Variant type: single nucleotide variant.
Coding change: c.6713G>A on transcript NM_006231.4 (MANE Select); coding-DNA position 6713, G replaced by A.
Protein change: p.Cys2238Tyr; replaces cysteine 2238 with tyrosine.
Molecular consequence: missense variant.
Genome position (GRCh38, 1-based): chr12:132,624,939, C>T on the plus strand (G>A on the coding strand, the complement: POLE is on the minus strand). VCF-style: chr12-132624939-C-T. GRCh37 (hg19) VCF-style: chr12-133201525-C-T.
Other names: c.6713G>A (NM_006231.2); short protein forms C2238Y.
Identifiers: ClinVar variation 473809 (VCV000473809.11), dbSNP rs1555300810, ClinGen allele CA387366094.